The following is an entry in ClinVar:

NM_002294.3(LAMP2):c.709A>G (p.Met237Val)

Gene: LAMP2 (lysosome associated membrane protein 2; minus strand). Cytogenetic location: Xq24.
Variant type: single nucleotide variant.
Coding change: c.709A>G on transcript NM_002294.3 (MANE Select); coding-DNA position 709, A replaced by G.
Protein change: p.Met237Val; replaces methionine 237 with valine.
Molecular consequence: missense variant.
Genome position (GRCh38, 1-based): chrX:120,447,873, T>C on the plus strand (A>G on the coding strand, the complement: LAMP2 is on the minus strand). VCF-style: chrX-120447873-T-C. GRCh37 (hg19) VCF-style: chrX-119581728-T-C.
Other names: c.709A>G, p.Met237Val (NM_001122606.1, NM_013995.2); short protein forms M237V.
Identifiers: ClinVar variation 1058797 (VCV001058797.9), dbSNP rs746678211, ClinGen allele CA10505273.

ClinVar aggregate classification (germline): Uncertain significance (1 of 4 stars; one submission).

Conditions:
Danon disease. Also called: PSEUDOGLYCOGENOSIS II; GSD IIb; LYSOSOMAL GLYCOGEN STORAGE DISEASE WITHOUT ACID MALTASE DEFICIENCY; Glycogen Storage Disease Type IIb; ANTOPOL DISEASE. Identifiers: Orphanet 34587, MedGen C0878677, MONDO:0010281, OMIM 300257.

Allele frequency attached by ClinVar (database versions not stated): gnomAD exomes below 0.00001 and 0.00001; ExAC 0.00001.
gnomAD v4.1: 2 of 1,210,965 alleles (0.00017%); highest among the groups gnomAD compares: Non-Finnish European, 0.00022%; no homozygotes.

Submission:

Labcorp Genetics (formerly Invitae), Labcorp
Classification: Uncertain significance for Danon disease. Last evaluated: 2020-08-11. Review status: criteria provided, single submitter. Criteria: Invitae Variant Classification Sherloc (09022015). Collection method: clinical testing. Allele origin: germline.
Comment: This variant is present in population databases (rs746678211, ExAC 0.002%). This sequence change replaces methionine with valine at codon 237 of the LAMP2 protein (p.Met237Val). The methionine residue is highly conserved and there is a small physicochemical difference between methionine and valine. This variant has not been reported in the literature in individuals with LAMP2-related conditions. In summary, the available evidence is currently insufficient to determine the role of this variant in disease. Therefore, it has been classified as a Variant of Uncertain Significance. Algorithms developed to predict the effect of missense changes on protein structure and function are either unavailable or do not agree on the potential impact of this missense change (SIFT: "Tolerated"; PolyPhen-2: "Possibly Damaging"; Align-GVGD: "Class C0").